The following is an entry in ClinVar:

NM_001281775.3(ZMYND8):c.2221C>T (p.His741Tyr)

Gene: ZMYND8 (zinc finger MYND-type containing 8; minus strand). Cytogenetic location: 20q13.12.
Variant type: single nucleotide variant.
Coding change: c.2221C>T on transcript NM_001281775.3 (MANE Select); coding-DNA position 2221, C replaced by T.
Protein change: p.His741Tyr; replaces histidine 741 with tyrosine.
Molecular consequence: missense variant.
Genome position (GRCh38, 1-based): chr20:47,246,071, G>A on the plus strand (C>T on the coding strand, the complement: ZMYND8 is on the minus strand). VCF-style: chr20-47246071-G-A. GRCh37 (hg19) VCF-style: chr20-45874815-G-A.
Other names: c.2146C>T, p.His716Tyr (NM_001281771.3, NM_001281777.3, NM_001281778.3 and 2 more transcripts); c.2161C>T, p.His721Tyr (NM_001281772.3, NM_001281773.3, NM_001281774.3 and 1 more transcripts); c.2221C>T, p.His741Tyr (NM_001281776.3, NM_001281783.3, NM_012408.6 and 1 more transcripts); c.1417C>T, p.His473Tyr (NM_001281779.3, NM_001281780.3); c.2005C>T, p.His669Tyr (NM_001281781.3, NM_001281784.3); c.2242C>T, p.His748Tyr (NM_001363714.1); short protein forms H473Y, H669Y, H716Y, H721Y, H741Y, H748Y.
Identifiers: ClinVar variation 4540267 (VCV004540267.1).

ClinVar aggregate classification (germline): Uncertain significance (1 of 4 stars; one submission).

Submission:

GeneDx
Classification: Uncertain significance. Last evaluated: 2025-06-23. Review status: criteria provided, single submitter. Criteria: GeneDx Variant Classification Process June 2021. Collection method: clinical testing. Allele origin: germline. Affected: yes.
Comment: Not observed at significant frequency in large population cohorts (gnomAD); In silico analysis suggests that this missense variant does not alter protein structure/function; Has not been previously published as pathogenic or benign to our knowledge